The following is an entry in ClinVar:

ClinVar aggregate classification (germline): Uncertain significance. Review status: criteria provided, multiple submitters, no conflicts (2 of 4 stars). 2 submissions from 2 submitters: Uncertain significance (2). Last evaluated 2025-07-21.

Conditions:
Hereditary nonpolyposis colorectal neoplasms. Identifiers: MedGen C0009405, MeSH D003123.
Hereditary cancer-predisposing syndrome. Also called: Hereditary Cancer Syndrome; Tumor predisposition; Hereditary neoplastic syndrome; Neoplastic Syndromes, Hereditary. Identifiers: Orphanet 140162, MedGen C0027672, MeSH D009386, MONDO:0015356.

Submissions (2):

Ambry Genetics
Classification: Uncertain significance for Hereditary cancer-predisposing syndrome. Last evaluated: 2025-07-21. Review status: criteria provided, single submitter. Criteria: Ambry Variant Classification Scheme 2023. Collection method: clinical testing. Allele origin: germline.
Comment: The c.1132_1134delCTG variant (also known as p.L378del) is located in coding exon 10 of the PMS2 gene. This variant results from an in-frame CTG deletion at nucleotide positions 1132 to 1134. This results in the in-frame deletion of a leucine at codon 378. This amino acid position is well conserved in available vertebrate species. In addition, the in silico prediction for this variant is inconclusive (Choi Y et al. PLoS ONE. 2012; 7(10):e46688). Based on the available evidence, the clinical significance of this variant remains unclear.

Labcorp Genetics (formerly Invitae), Labcorp
Classification: Uncertain significance for Hereditary nonpolyposis colorectal neoplasms. Last evaluated: 2025-03-13. Review status: criteria provided, single submitter. Criteria: Invitae Variant Classification Sherloc (09022015). Collection method: clinical testing. Allele origin: germline.
Comment: This variant, c.1132_1134del, results in the deletion of 1 amino acid(s) of the PMS2 protein (p.Leu378del), but otherwise preserves the integrity of the reading frame. This variant is not present in population databases (gnomAD no frequency). This variant has not been reported in the literature in individuals affected with PMS2-related conditions. Experimental studies and prediction algorithms are not available or were not evaluated, and the functional significance of this variant is currently unknown. In summary, the available evidence is currently insufficient to determine the role of this variant in disease. Therefore, it has been classified as a Variant of Uncertain Significance.

NM_000535.7(PMS2):c.1129CTG[1] (p.Leu378del)

Gene: PMS2 (PMS1 homolog 2, mismatch repair system component; minus strand). Cytogenetic location: 7p22.1.
Variant type: Microsatellite.
Coding change: c.1129CTG[1] on transcript NM_000535.7 (MANE Select); one copy of the 3-base unit CTG starting at c.1129; the reference has two copies in a row; one copy, 3 bases deleted.
Protein change: p.Leu378del; deletes leucine 378.
Molecular consequence: inframe deletion. On other transcripts: non-coding transcript variant (1), intron variant (2).
Genome position (GRCh38, 1-based): chr7:5,989,810-5,989,812, CAG deleted on the plus strand (CTG on the coding strand, the reverse complement: PMS2 is on the minus strand); deleting any 3 consecutive bases within chr7:5,989,810-5,989,815 gives the same sequence; the position shown is the placement nearest the transcript's 3' end. VCF-style (leftmost placement, unchanged base first): chr7-5989809-CCAG-C. GRCh37 (hg19) VCF-style: chr7-6029440-CCAG-C.
Other names: c.724CTG[1], p.Leu243del (NM_001322003.2, NM_001322004.2, NM_001322005.2 and 1 more transcripts); c.811CTG[1], p.Leu272del (NM_001322007.2, NM_001322008.2); c.196CTG[1], p.Leu67del (NM_001322011.2, NM_001322012.2); c.556CTG[1], p.Leu187del (NM_001322013.2); c.1129CTG[1], p.Leu378del (NM_001322014.2); c.820CTG[1], p.Leu275del (NM_001322015.2); c.583+2161_583+2163del (NM_001322010.2); c.988+2161_988+2163del (NM_001322006.2); short protein forms L272del, L243del, L378del, L187del, L275del, L67del.
Identifiers: ClinVar variation 1041592 (VCV001041592.12), dbSNP rs1783510412, ClinGen allele CA1685235956.